The following is an entry in ClinVar:

ClinVar aggregate classification (germline): Likely pathogenic (1 of 4 stars; one submission).

Conditions:
Deficiency of acetyl-CoA acetyltransferase. Also called: Beta-ketothiolase deficiency; 3-KETOTHIOLASE DEFICIENCY; 3-OXOTHIOLASE DEFICIENCY; MITOCHONDRIAL ACETOACETYL-CoA THIOLASE DEFICIENCY. Identifiers: Orphanet 134, MedGen C1536500, MONDO:0008760, OMIM 203750. Disease mechanism: loss of function.

Submission:

Labcorp Genetics (formerly Invitae), Labcorp
Classification: Likely pathogenic for Deficiency of acetyl-CoA acetyltransferase. Last evaluated: 2021-11-17. Review status: criteria provided, single submitter. Criteria: Invitae Variant Classification Sherloc (09022015). Collection method: clinical testing. Allele origin: germline.
Comment: Algorithms developed to predict the effect of sequence changes on RNA splicing suggest that this variant may disrupt the consensus splice site. In summary, the currently available evidence indicates that the variant is pathogenic, but additional data are needed to prove that conclusively. Therefore, this variant has been classified as Likely Pathogenic. This variant has not been reported in the literature in individuals affected with ACAT1-related conditions. This variant is not present in population databases (gnomAD no frequency). This sequence change affects an acceptor splice site in intron 2 of the ACAT1 gene. It is expected to disrupt RNA splicing. Variants that disrupt the donor or acceptor splice site typically lead to a loss of protein function (PMID: 16199547), and loss-of-function variants in ACAT1 are known to be pathogenic (PMID: 7749408).

Literature cited by the submitters: PubMed 16199547; PubMed 7749408.

NM_000019.4(ACAT1):c.121-2A>G

Gene: ACAT1 (acetyl-CoA acetyltransferase 1; plus strand). Cytogenetic location: 11q22.3.
Variant type: single nucleotide variant.
Coding change: c.121-2A>G on transcript NM_000019.4 (MANE Select); the canonical splice acceptor site of the intron before coding-DNA position 121, A replaced by G.
Molecular consequence: splice acceptor variant. On other transcripts: intron variant (1).
Genome position (GRCh38, 1-based): chr11:108,133,818, A>G. VCF-style: chr11-108133818-A-G. GRCh37 (hg19) VCF-style: chr11-108004545-A-G.
Other names: c.-150-2A>G (NM_001386682.1, NM_001386681.1, NM_001386685.1 and 6 more transcripts); c.121-2A>G (NM_001386677.1); c.-157-2A>G (NM_001386679.1); c.120+1864A>G (NM_001386678.1).
Identifiers: ClinVar variation 1503885 (VCV001503885.6), dbSNP rs2135334384, ClinGen allele CA382506197.
Genomic context (GRCh38, chr11:108,133,818, plus strand): 5'-TATTTAATGAAATACGATTTGGGTAAAATACCTATAATTTTTACCATCTTGTGTCTTGCC[A>G]GGAAGTGGTCATAGTAAGTGCTACAAGAACACCCATTGGATCTTTTTTAGGCAGCCTTTC-3'